The following is an entry in ClinVar:

ClinVar aggregate classification (germline): Pathogenic (1 of 4 stars; one submission).

Conditions:
Long QT syndrome (LQTS). Identifiers: MedGen C0023976, MeSH D008133, MONDO:0002442. Disease mechanism: loss of function. Inheritance: Various modes of inheritance.

Submission:

Labcorp Genetics (formerly Invitae), Labcorp
Classification: Pathogenic for Long QT syndrome. Last evaluated: 2022-04-24. Review status: criteria provided, single submitter. Criteria: Invitae Variant Classification Sherloc (09022015). Collection method: clinical testing. Allele origin: germline.
Comment: For these reasons, this variant has been classified as Pathogenic. This variant disrupts a region of the KCNQ1 protein in which other variant(s) (p.Arg632Lysfs*20) have been determined to be pathogenic (Invitae). This suggests that this is a clinically significant region of the protein, and that variants that disrupt it are likely to be disease-causing. This variant has not been reported in the literature in individuals affected with KCNQ1-related conditions. This variant is not present in population databases (gnomAD no frequency). This sequence change creates a premature translational stop signal (p.Lys528Asnfs*66) in the KCNQ1 gene. While this is not anticipated to result in nonsense mediated decay, it is expected to disrupt the last 149 amino acid(s) of the KCNQ1 protein.

NM_000218.3(KCNQ1):c.1583_1584insTA (p.Lys528fs)

Gene: KCNQ1 (potassium voltage-gated channel subfamily Q member 1; plus strand). Cytogenetic location: 11p15.5.
Variant type: Insertion.
Coding change: c.1583_1584insTA on transcript NM_000218.3 (MANE Select); coding-DNA positions 1583 to 1584, TA inserted.
Protein change: p.Lys528fs; shifts the reading frame from lysine 528.
Molecular consequence: frameshift variant.
Genome position: GRCh38 VCF-style: chr11-2768911-A-AAT. GRCh37 (hg19) VCF-style: chr11-2790141-A-AAT.
Other names: c.1487_1488insTA, p.Lys496Asnfs (NM_001406836.1); c.1313_1314insTA, p.Lys438Asnfs (NM_001406837.1); c.1043_1044insTA, p.Lys348Asnfs (NM_001406838.1); c.1202_1203insTA, p.Lys401Asnfs (NM_181798.2); short protein forms K401fs, K528fs.
Identifiers: ClinVar variation 2129901 (VCV002129901.4), dbSNP rs2494120481, ClinGen allele CA2580082636.
Genomic context (GRCh38, chr11:2,768,911, plus strand): 5'-GAACACCATCGGGCCACCATTAAGGTCATTCGACGCATGCAGTACTTTGTGGCCAAGAAG[A>AAT]AATTCCAGGTAAGCCCTGTGCTGAGCCTTCCTGCCCTCAGCCTGCCCCTCGCAGCCTGAT-3'